The following is an entry in ClinVar:

ClinVar aggregate classification (germline): Uncertain significance (1 of 4 stars; one submission).

Conditions:
BBS10-related disorder. Also called: BBS10-related condition.

Submission:

PreventionGenetics, part of Exact Sciences
Classification: Uncertain significance for BBS10-related condition. Last evaluated: 2026-04-15. Review status: criteria provided, single submitter. Criteria: ACMG Guidelines, 2015. Collection method: clinical testing. Allele origin: germline.
Comment: The BBS10 c.1847A>G variant is predicted to result in the amino acid substitution p.Asn616Ser. To our knowledge, this variant has not been reported in the literature. This variant is reported in 0.012% of alleles in individuals of African descent in gnomAD. At this time, the clinical significance of this variant is uncertain due to the absence of conclusive functional and genetic evidence.

NM_024685.4(BBS10):c.1847A>G (p.Asn616Ser)

Gene: BBS10 (Bardet-Biedl syndrome 10; minus strand). Cytogenetic location: 12q21.2.
Variant type: single nucleotide variant.
Coding change: c.1847A>G on transcript NM_024685.4 (MANE Select); coding-DNA position 1847, A replaced by G.
Protein change: p.Asn616Ser; replaces asparagine 616 with serine.
Molecular consequence: missense variant.
Genome position (GRCh38, 1-based): chr12:76,346,138, T>C on the plus strand (A>G on the coding strand, the complement: BBS10 is on the minus strand). VCF-style: chr12-76346138-T-C. GRCh37 (hg19) VCF-style: chr12-76739918-T-C.
Other names: short protein forms N616S.
Identifiers: ClinVar variation 4985182 (VCV004985182.1).